The following is an entry in ClinVar:

NM_017849.4(TMEM127):c.656C>G (p.Pro219Arg)

Gene: TMEM127 (transmembrane protein 127; minus strand). Cytogenetic location: 2q11.2.
Variant type: single nucleotide variant.
Coding change: c.656C>G on transcript NM_017849.4 (MANE Select); coding-DNA position 656, C replaced by G.
Protein change: p.Pro219Arg; replaces proline 219 with arginine.
Molecular consequence: missense variant.
Genome position (GRCh38, 1-based): chr2:96,253,869, G>C on the plus strand (C>G on the coding strand, the complement: TMEM127 is on the minus strand). VCF-style: chr2-96253869-G-C. GRCh37 (hg19) VCF-style: chr2-96919607-G-C.
Other names: c.656C>G, p.Pro219Arg (NM_001193304.3); short protein forms P219R.
Identifiers: ClinVar variation 844858 (VCV000844858.11), dbSNP rs1684141855, ClinGen allele CA347651495.

ClinVar aggregate classification (germline): Uncertain significance. Review status: criteria provided, multiple submitters, no conflicts (2 of 4 stars). 2 submissions from 2 submitters: Uncertain significance (2). Last evaluated 2023-06-28.

Conditions:
Hereditary cancer-predisposing syndrome. Also called: Hereditary Cancer Syndrome; Tumor predisposition; Neoplastic Syndromes, Hereditary; Hereditary neoplastic syndrome. Identifiers: Orphanet 140162, MedGen C0027672, MeSH D009386, MONDO:0015356.
Hereditary pheochromocytoma and paraganglioma. Also called: Hereditary pheochromocytoma-paraganglioma; Hereditary paragangliomas and pheochromocytomas; Hereditary Paraganglioma-Pheochromocytoma Syndromes. Identifiers: Orphanet 29072, MedGen C4274332, MONDO:0017366.

Submissions (2):

Ambry Genetics
Classification: Uncertain significance for Hereditary cancer-predisposing syndrome. Last evaluated: 2023-06-28. Review status: criteria provided, single submitter. Criteria: Ambry Variant Classification Scheme 2023. Collection method: clinical testing. Allele origin: germline.
Comment: The p.P219R variant (also known as c.656C>G), located in coding exon 3 of the TMEM127 gene, results from a C to G substitution at nucleotide position 656. The proline at codon 219 is replaced by arginine, an amino acid with dissimilar properties. This amino acid position is conserved. In addition, the in silico prediction for this alteration is inconclusive. Since supporting evidence is limited at this time, the clinical significance of this alteration remains unclear.

Labcorp Genetics (formerly Invitae), Labcorp
Classification: Uncertain significance for Hereditary pheochromocytoma and paraganglioma. Last evaluated: 2019-11-27. Review status: criteria provided, single submitter. Criteria: Invitae Variant Classification Sherloc (09022015). Collection method: clinical testing. Allele origin: germline.
Comment: In summary, the available evidence is currently insufficient to determine the role of this variant in disease. Therefore, it has been classified as a Variant of Uncertain Significance. Algorithms developed to predict the effect of missense changes on protein structure and function (SIFT, PolyPhen-2, Align-GVGD) all suggest that this variant is likely to be tolerated, but these predictions have not been confirmed by published functional studies and their clinical significance is uncertain. This variant has not been reported in the literature in individuals with TMEM127-related conditions. This variant is not present in population databases (ExAC no frequency). This sequence change replaces proline with arginine at codon 219 of the TMEM127 protein (p.Pro219Arg). The proline residue is moderately conserved and there is a moderate physicochemical difference between proline and arginine.